The following is an entry in ClinVar:

NM_004565.3(PEX14):c.199T>C (p.Phe67Leu)

Gene: PEX14 (peroxisomal biogenesis factor 14; plus strand). Cytogenetic location: 1p36.22.
Variant type: single nucleotide variant.
Coding change: c.199T>C on transcript NM_004565.3 (MANE Select); coding-DNA position 199, T replaced by C.
Protein change: p.Phe67Leu; replaces phenylalanine 67 with leucine.
Molecular consequence: missense variant.
Genome position (GRCh38, 1-based): chr1:10,599,267, T>C. VCF-style: chr1-10599267-T-C. GRCh37 (hg19) VCF-style: chr1-10659324-T-C.
Other names: short protein forms F67L.
Identifiers: ClinVar variation 842212 (VCV000842212.8), dbSNP rs751540499, ClinGen allele CA583751.

ClinVar aggregate classification (germline): Uncertain significance. Review status: criteria provided, multiple submitters, no conflicts (2 of 4 stars). 2 submissions from 2 submitters: Uncertain significance (2). Last evaluated 2025-10-23.

Conditions:
PEX14-related disorder. Also called: PEX14-related condition.
Peroxisome biogenesis disorder, complementation group K (CGK). Identifiers: MedGen C1866257, MONDO:0800365.

Allele frequency attached by ClinVar (database versions not stated): gnomAD exomes below 0.00001 and 0.00001; TOPMed below 0.00001; ExAC 0.00001; gnomAD 0.00001.
gnomAD v4.1: 19 of 1,614,010 alleles (0.0012%); highest among the groups gnomAD compares: Non-Finnish European, 0.0015%; no homozygotes.

Submissions (2):

PreventionGenetics, part of Exact Sciences
Classification: Uncertain significance for PEX14-related condition. Last evaluated: 2025-10-23. Review status: criteria provided, single submitter. Criteria: ACMG Guidelines, 2015. Collection method: clinical testing. Allele origin: germline.
Comment: The PEX14 c.199T>C variant is predicted to result in the amino acid substitution p.Phe67Leu. To our knowledge, this variant has not been reported in the literature. This variant is reported in 0.0015% of alleles in individuals of European (Non-Finnish) descent in gnomAD. At this time, the clinical significance of this variant is uncertain due to the absence of conclusive functional and genetic evidence.

Labcorp Genetics (formerly Invitae), Labcorp
Classification: Uncertain significance for Peroxisome biogenesis disorder, complementation group K. Last evaluated: 2021-08-28. Review status: criteria provided, single submitter. Criteria: Invitae Variant Classification Sherloc (09022015). Collection method: clinical testing. Allele origin: germline.
Comment: This sequence change replaces phenylalanine with leucine at codon 67 of the PEX14 protein (p.Phe67Leu). The phenylalanine residue is moderately conserved and there is a small physicochemical difference between phenylalanine and leucine. This variant is present in population databases (rs751540499, ExAC 0.001%). This variant has not been reported in the literature in individuals affected with PEX14-related conditions. Algorithms developed to predict the effect of missense changes on protein structure and function (SIFT, PolyPhen-2, Align-GVGD) all suggest that this variant is likely to be tolerated. In summary, the available evidence is currently insufficient to determine the role of this variant in disease. Therefore, it has been classified as a Variant of Uncertain Significance.